The following is an entry in ClinVar:

NM_004415.4(DSP):c.7456G>C (p.Gly2486Arg)

Gene: DSP (desmoplakin; plus strand). Cytogenetic location: 6p24.3.
Variant type: single nucleotide variant.
Coding change: c.7456G>C on transcript NM_004415.4 (MANE Select); coding-DNA position 7456, G replaced by C.
Protein change: p.Gly2486Arg; replaces glycine 2486 with arginine.
Molecular consequence: missense variant.
Genome position (GRCh38, 1-based): chr6:7,584,718, G>C. VCF-style: chr6-7584718-G-C. GRCh37 (hg19) VCF-style: chr6-7584951-G-C.
Other names: c.5659G>C, p.Gly1887Arg (NM_001008844.3); c.6127G>C, p.Gly2043Arg (NM_001319034.2); short protein forms G1887R, G2043R, G2486R.
Identifiers: ClinVar variation 4075643 (VCV004075643.1).

ClinVar aggregate classification (germline): Uncertain significance (1 of 4 stars; one submission).

Submission:

GeneDx
Classification: Uncertain significance. Last evaluated: 2025-02-14. Review status: criteria provided, single submitter. Criteria: GeneDx Variant Classification Process June 2021. Collection method: clinical testing. Allele origin: germline. Affected: yes.
Comment: Not observed at significant frequency in large population cohorts (gnomAD); In silico analysis supports that this missense variant has a deleterious effect on protein structure/function; Has not been previously published as pathogenic or benign to our knowledge